The following is an entry in ClinVar:

ClinVar aggregate classification (germline): Uncertain significance (1 of 4 stars; one submission).

Submission:

GeneDx
Classification: Uncertain significance. Last evaluated: 2022-04-08. Review status: criteria provided, single submitter. Criteria: GeneDx Variant Classification Process June 2021. Collection method: clinical testing. Allele origin: germline. Affected: yes.
Comment: Not observed at significant frequency in large population cohorts (gnomAD); In silico analysis supports that this missense variant has a deleterious effect on protein structure/function; Has not been previously published as pathogenic or benign to our knowledge

NM_001161352.2(KCNMA1):c.3347G>C (p.Gly1116Ala)

Genes: KCNMA1 (potassium calcium-activated channel subfamily M alpha 1; minus strand), KCNMA1-AS1 (KCNMA1 antisense RNA 1; plus strand). Cytogenetic location: 10q22.3.
Variant type: single nucleotide variant.
Coding change: c.3347G>C on transcript NM_001161352.2 (MANE Select); coding-DNA position 3347, G replaced by C.
Protein change: p.Gly1116Ala; replaces glycine 1116 with alanine.
Molecular consequence: missense variant.
Genome position (GRCh38, 1-based): chr10:76,889,565, C>G on the plus strand (G>C on the coding strand, the complement: KCNMA1 is on the minus strand). VCF-style: chr10-76889565-C-G. GRCh37 (hg19) VCF-style: chr10-78649323-C-G.
Other names: c.3185G>C, p.Gly1062Ala (NM_001014797.3); c.3296G>C, p.Gly1099Ala (NM_001161353.2); c.3023G>C, p.Gly1008Ala (NM_001271518.2); c.3263G>C, p.Gly1088Ala (NM_001271519.2); c.3182G>C, p.Gly1061Ala (NM_001322829.2, NM_001322836.2); c.3275G>C, p.Gly1092Ala (NM_001322830.2); c.3173G>C, p.Gly1058Ala (NM_001322832.2, NM_001410940.1, NM_002247.4); c.3266G>C, p.Gly1089Ala (NM_001322835.2, NM_001322837.2); and 1 more; short protein forms G1008A, G1058A, G1061A, G1062A, G1088A, G1089A, G1092A, G1099A.
Identifiers: ClinVar variation 1708787 (VCV001708787.2), dbSNP rs2038955772, ClinGen allele CA377403253.